The following is an entry in ClinVar:

NM_001371986.1(UNC80):c.5111C>A (p.Thr1704Asn)

Genes: UNC80 (unc-80 subunit of NALCN channel complex; plus strand), LOC126806490 (P300/CBP strongly-dependent group 1 enhancer GRCh37_chr2:210782411-210783610; plus strand). Cytogenetic location: 2q34.
Variant type: single nucleotide variant.
Coding change: c.5111C>A on transcript NM_001371986.1 (MANE Select); coding-DNA position 5111, C replaced by A.
Protein change: p.Thr1704Asn; replaces threonine 1704 with asparagine.
Molecular consequence: missense variant.
Genome position (GRCh38, 1-based): chr2:209,917,858, C>A. VCF-style: chr2-209917858-C-A. GRCh37 (hg19) VCF-style: chr2-210782582-C-A.
Other names: c.4913C>A (NM_032504.1); c.4913C>A, p.Thr1638Asn (NM_032504.2); c.4898C>A, p.Thr1633Asn (NM_182587.4); short protein forms T1633N, T1638N, T1704N.
Identifiers: ClinVar variation 1483710 (VCV001483710.7), dbSNP rs2124948147, ClinGen allele CA350758919.

ClinVar aggregate classification (germline): Uncertain significance. Review status: criteria provided, multiple submitters, no conflicts (2 of 4 stars). 2 submissions from 2 submitters: Uncertain significance (2). Last evaluated 2025-05-20.

Conditions:
Inborn genetic diseases. Identifiers: MedGen C0950123, MeSH D030342.

Submissions (2):

Ambry Genetics
Classification: Uncertain significance for Inborn genetic diseases. Last evaluated: 2025-05-20. Review status: criteria provided, single submitter. Criteria: Ambry Variant Classification Scheme 2023. Collection method: clinical testing. Allele origin: germline.

Labcorp Genetics (formerly Invitae), Labcorp
Classification: Uncertain significance. Last evaluated: 2021-04-12. Review status: criteria provided, single submitter. Criteria: Invitae Variant Classification Sherloc (09022015). Collection method: clinical testing. Allele origin: germline.
Comment: Algorithms developed to predict the effect of missense changes on protein structure and function are either unavailable or do not agree on the potential impact of this missense change (SIFT: "Not Available"; PolyPhen-2: "Benign"; Align-GVGD: "Not Available"). In summary, the available evidence is currently insufficient to determine the role of this variant in disease. Therefore, it has been classified as a Variant of Uncertain Significance. This variant has not been reported in the literature in individuals with UNC80-related conditions. This variant is not present in population databases (ExAC no frequency). This sequence change replaces threonine with asparagine at codon 1638 of the UNC80 protein (p.Thr1638Asn). The threonine residue is weakly conserved and there is a small physicochemical difference between threonine and asparagine.